The following is an entry in ClinVar:

ClinVar aggregate classification (germline): Uncertain significance. Review status: criteria provided, multiple submitters, no conflicts (2 of 4 stars). 6 submissions from 5 submitters: Uncertain significance (6). Last evaluated 2025-12-21.

Conditions:
RASopathy. Also called: rasopathies; Noonan spectrum disorder. Identifiers: Orphanet 536391, MedGen C5555857, MONDO:0021060.
Noonan syndrome 7 (NS7). Also called: BRAF-Related Noonan Syndrome. Identifiers: Orphanet 648, MedGen C3150970, MONDO:0013379, OMIM 613706.
LEOPARD syndrome 3 (LPRD3). Identifiers: Orphanet 500, MedGen C3150971, MONDO:0013380, OMIM 613707.
Cardiofaciocutaneous syndrome 1 (CFC1). Also called: BRAF-Related Cardiofaciocutaneous Syndrome. Identifiers: Orphanet 1340, MedGen CN029449, MONDO:0007265, OMIM 115150. Disease mechanism: gain of function.

Allele frequency attached by ClinVar (database versions not stated): gnomAD 0.00001; gnomAD exomes 0.00001 and 0.00002; ExAC 0.00002; TOPMed 0.00003.
gnomAD v4.1: 22 of 1,613,998 alleles (0.0014%); highest among the groups gnomAD compares: Middle Eastern, 0.016%; no homozygotes.

Submissions (6):

Clinical Genomics Laboratory, Washington University in St. Louis
Classification: Uncertain significance for Cardiofaciocutaneous syndrome 1. Last evaluated: 2025-12-21. Review status: criteria provided, single submitter. Criteria: ACMG Guidelines, 2015. Collection method: clinical testing. Allele origin: germline.
Comment: A BRAF c.316G>A (p.Gly106Arg) variant was identified at a near heterozygous allelic fraction of 48.1%, a frequency which may be consistent with it being of germline origin. This variant has been reported in the literature in an individual with Neurofibromatosis, who also harbored an NF1 variant (Wu-Chou YH et al., PMID: 30290804). It is observed on 22/1,613,998 alleles in the general population (gnomAD v4.1.0). This variant has been reported in the ClinVar database as a germline variant of uncertain significance by four submitters (ClinVar Variation ID: 505121). Computational predictors are uncertain as to the impact of this variant on BRAF function. Due to limited information, and based on ACMG/AMP guidelines for variant interpretation (Richards S et al., PMID: 25741868) and the ClinGen RASopathy variant curation expert panel (Wilcox EH et al., PMID: 40496714), the clinical significance of this variant is uncertain at this time.

Labcorp Genetics (formerly Invitae), Labcorp
Classification: Uncertain significance for RASopathy. Last evaluated: 2025-12-15. Review status: criteria provided, single submitter. Criteria: Invitae Variant Classification Sherloc (09022015). Collection method: clinical testing. Allele origin: germline.
Comment: This sequence change replaces glycine, which is neutral and non-polar, with arginine, which is basic and polar, at codon 106 of the BRAF protein (p.Gly106Arg). This variant is present in population databases (rs749247588, gnomAD 0.006%). This missense change has been observed in individual(s) with neurofibromatosis type-1 (PMID: 30290804). ClinVar contains an entry for this variant (Variation ID: 505121). Invitae Evidence Modeling incorporating data from in vitro experimental studies (internal data) indicates that this missense variant is not expected to disrupt BRAF function with a negative predictive value of 95%. In summary, the available evidence is currently insufficient to determine the role of this variant in disease. Therefore, it has been classified as a Variant of Uncertain Significance.

Mayo Clinic Laboratories, Mayo Clinic
Classification: Uncertain significance. Last evaluated: 2024-08-29. Review status: criteria provided, single submitter. Criteria: ACMG Guidelines, 2015. Collection method: clinical testing. Allele origin: germline. Observed: 1 variant allele.
Comment: BS4_supporting, PP2

Illumina Laboratory Services, Illumina
Classification: Uncertain significance for LEOPARD syndrome 3. Last evaluated: 2017-04-27. Review status: criteria provided, single submitter. Criteria: ICSL Variant Classification Criteria 13 December 2019. Collection method: clinical testing. Allele origin: germline.

Illumina Laboratory Services, Illumina
Classification: Uncertain significance for Noonan syndrome 7. Last evaluated: 2017-04-27. Review status: criteria provided, single submitter. Criteria: ICSL Variant Classification Criteria 13 December 2019. Collection method: clinical testing. Allele origin: germline.

Laboratory for Molecular Medicine, Mass General Brigham Personalized Medicine
Classification: Uncertain significance. Last evaluated: 2016-10-18. Review status: criteria provided, single submitter. Criteria: LMM Criteria. Collection method: clinical testing. Allele origin: germline. Observed: 2 variant alleles.
Comment: Variant classified as Uncertain Significance - Favor Benign. It has been identified 1/66687 European and 1/16503 South Asian chromosomes b y the Exome Aggregation Consortium (ExAC; dbSNP rs749247588). Computational prediction tools and conservation analysis suggest t hat the p.Gly106Arg variant may impact the protein, though this information is n ot predictive enough to determine pathogenicity. In summary, while the clinical significance of the p.Gly106Arg variant is uncertain, these data suggest that i t is more likely to be benign.

Literature cited by the submitters: PubMed 30290804 (cited by Labcorp Genetics (formerly Invitae), Labcorp and Mayo Clinic Laboratories, Mayo Clinic).

NM_004333.6(BRAF):c.316G>A (p.Gly106Arg)

Gene: BRAF (B-Raf proto-oncogene, serine/threonine kinase; minus strand). Cytogenetic location: 7q34.
Variant type: single nucleotide variant.
Coding change: c.316G>A on transcript NM_004333.6 (MANE Select); coding-DNA position 316, G replaced by A.
Protein change: p.Gly106Arg; replaces glycine 106 with arginine.
Molecular consequence: missense variant. On other transcripts: intron variant (1).
Genome position (GRCh38, 1-based): chr7:140,834,797, C>T on the plus strand (G>A on the coding strand, the complement: BRAF is on the minus strand). VCF-style: chr7-140834797-C-T. GRCh37 (hg19) VCF-style: chr7-140534597-C-T.
Other names: c.316G>A, p.Gly106Arg (NM_001354609.2, NM_001374244.1, NM_001374258.1 and 5 more transcripts); c.214G>A, p.Gly72Arg (NM_001378470.1); c.160G>A, p.Gly54Arg (NM_001378472.1, NM_001378473.1); c.240+15314G>A (NM_001378475.1); short protein forms G106R, G54R, G72R.
Identifiers: ClinVar variation 505121 (VCV000505121.18), dbSNP rs749247588, ClinGen allele CA4516989.